The following is an entry in ClinVar:

NM_018060.4(IARS2):c.2307+14A>G

Gene: IARS2 (isoleucyl-tRNA synthetase 2, mitochondrial; plus strand). Cytogenetic location: 1q41.
Variant type: single nucleotide variant.
Coding change: c.2307+14A>G on transcript NM_018060.4 (MANE Select); 14 bases into the intron after coding-DNA position 2307, A replaced by G.
Molecular consequence: intron variant.
Genome position (GRCh38, 1-based): chr1:220,139,153, A>G. VCF-style: chr1-220139153-A-G. GRCh37 (hg19) VCF-style: chr1-220312495-A-G.
Identifiers: ClinVar variation 513618 (VCV000513618.10), dbSNP rs201438337, ClinGen allele CA1401729.
Genomic context (GRCh38, chr1:220,139,153, plus strand): 5'-TCATAGACCAGTACATGCTACACTTACTGCAGGATTTGGCAAACAAGGTAAATGTAAATT[A>G]ATAAACTTTTGGAAACTAGAAATATCAGCACTATTGTAGGTTAAAATTTTAGTTTTATCT-3'

ClinVar aggregate classification (germline): Benign/Likely benign. Review status: criteria provided, multiple submitters, no conflicts (2 of 4 stars). 3 submissions from 3 submitters: Benign (1); Likely benign (2). Last evaluated 2025-12-28.

Allele frequency attached by ClinVar (database versions not stated): ESP Exome Variant Server 0.00015; gnomAD 0.00029 and 0.00034; TOPMed 0.00032; ExAC 0.00060; gnomAD exomes 0.00072 and 0.00012; 1000 Genomes Project 30x 0.00141; 1000 Genomes Project 0.00180.
gnomAD v4.1: 233 of 1,597,920 alleles (0.015%); highest among the groups gnomAD compares: East Asian, 0.43%; 3 homozygotes.

Submissions (3):

Labcorp Genetics (formerly Invitae), Labcorp
Classification: Benign. Last evaluated: 2025-12-28. Review status: criteria provided, single submitter. Criteria: Invitae Variant Classification Sherloc (09022015). Collection method: clinical testing. Allele origin: germline.

Blueprint Genetics
Classification: Likely benign. Last evaluated: 2024-10-02. Review status: criteria provided, single submitter. Criteria: ACMG Guidelines, 2015. Collection method: clinical testing. Allele origin: germline.

GeneDx
Classification: Likely benign. Last evaluated: 2017-12-11. Review status: criteria provided, single submitter. Criteria: GeneDx Variant Classification (06012015). Collection method: clinical testing. Allele origin: germline. Affected: yes.
Comment: This variant is considered likely benign or benign based on one or more of the following criteria: it is a conservative change, it occurs at a poorly conserved position in the protein, it is predicted to be benign by multiple in silico algorithms, and/or has population frequency not consistent with disease.